The following is an entry in ClinVar:

ClinVar aggregate classification (germline): Likely benign. Review status: criteria provided, multiple submitters, no conflicts (2 of 4 stars). 3 submissions from 3 submitters: Likely benign (3). Last evaluated 2026-04-01.

Allele frequency attached by ClinVar (database versions not stated): TOPMed 0.00008; gnomAD 0.00011; gnomAD exomes 0.00014; ExAC 0.00016.
gnomAD v4.1: 218 of 1,611,330 alleles (0.014%); highest among the groups gnomAD compares: Non-Finnish European, 0.017%; no homozygotes.

Submissions (3):

CeGaT Center for Human Genetics Tuebingen
Classification: Likely benign. Last evaluated: 2026-04-01. Review status: criteria provided, single submitter. Criteria: CeGaT Center For Human Genetics Tuebingen Variant Classification Criteria Version 2. Collection method: clinical testing. Allele origin: germline. Affected: yes. Observed: 4 variant alleles.
Comment: CAMTA1: BP4, BP7

Mayo Clinic Laboratories, Mayo Clinic
Classification: Likely benign. Last evaluated: 2025-10-23. Review status: criteria provided, single submitter. Criteria: ACMG Guidelines, 2015. Collection method: clinical testing. Allele origin: germline. Observed: 1 variant allele.
Comment: BS2, BP4, BP7

Labcorp Genetics (formerly Invitae), Labcorp
Classification: Likely benign. Last evaluated: 2025-07-22. Review status: criteria provided, single submitter. Criteria: Invitae Variant Classification Sherloc (09022015). Collection method: clinical testing. Allele origin: germline.

NM_015215.4(CAMTA1):c.795C>T (p.Thr265=)

Gene: CAMTA1 (calmodulin binding transcription activator 1; plus strand). Cytogenetic location: 1p36.23.
Variant type: single nucleotide variant.
Coding change: c.795C>T on transcript NM_015215.4 (MANE Select); coding-DNA position 795, C replaced by T.
Protein change: p.Thr265=; no amino-acid change (threonine 265 retained).
Molecular consequence: synonymous variant.
Genome position (GRCh38, 1-based): chr1:7,661,856, C>T. VCF-style: chr1-7661856-C-T. GRCh37 (hg19) VCF-style: chr1-7721916-C-T.
Other names: p.Thr265=; c.705C>T, p.Thr235= (NM_001349608.2, NM_001349612.2); c.795C>T, p.Thr265= (NM_001349609.2, NM_001349610.2, NM_001410737.1); c.723C>T, p.Thr241= (NM_001410738.1).
Identifiers: ClinVar variation 2189975 (VCV002189975.27), dbSNP rs377334407, ClinGen allele CA566261.
Genomic context (GRCh38, chr1:7,661,856, plus strand): 5'-GCAGATCCTCGACAGCCACCAGACCAAGCCCCAGCCGCGGACCCACAACTGCCTCTGCAC[C>T]GGCAGCCTGGGTGAGCCGGGGCTCCCGGGGCAGGCGGGCGCCACGGGGACAGAGGGGCCC-3'
Protein context (NP_056030.1, residues 255-275): PQPRTHNCLC[Thr265=]GSLGAGGSVH